The following is an entry in ClinVar:

ClinVar aggregate classification (germline): Uncertain significance. Review status: criteria provided, multiple submitters, no conflicts (2 of 4 stars). 3 submissions from 3 submitters: Uncertain significance (3). Last evaluated 2025-02-12.

Conditions:
Inborn genetic diseases. Identifiers: MedGen C0950123, MeSH D030342.
Fanconi anemia (FA). Also called: Fanconi's anemia. Identifiers: Orphanet 84, MedGen C0015625, MeSH D005199, MONDO:0019391.
Fanconi anemia complementation group A (FANCA). Also called: Fanconi anemia, group A; FANCA-Related Fanconi Anemia. Identifiers: Orphanet 84, MedGen C3469521, MONDO:0009215, OMIM 227650.

Allele frequency attached by ClinVar (database versions not stated): gnomAD exomes below 0.00001.
gnomAD v4.1: 1 of 1,614,116 alleles (0.000062%); highest among the groups gnomAD compares: Admixed American, 0.0017%; no homozygotes.

Submissions (3):

Ambry Genetics
Classification: Uncertain significance for Inborn genetic diseases. Last evaluated: 2025-02-12. Review status: criteria provided, single submitter. Criteria: Ambry Variant Classification Scheme 2023. Collection method: clinical testing. Allele origin: germline.
Comment: The p.E942D variant (also known as c.2826A>C), located in coding exon 29 of the FANCA gene, results from an A to C substitution at nucleotide position 2826. The glutamic acid at codon 942 is replaced by aspartic acid, an amino acid with highly similar properties. This amino acid position is conserved. In addition, this alteration is predicted to be tolerated by in silico analysis. Based on the available evidence, the clinical significance of this variant remains unclear.

Fulgent Genetics
Classification: Uncertain significance for Fanconi anemia complementation group A. Last evaluated: 2024-03-19. Review status: criteria provided, single submitter. Criteria: ACMG Guidelines, 2015. Collection method: clinical testing. Allele origin: germline.

Labcorp Genetics (formerly Invitae), Labcorp
Classification: Uncertain significance for Fanconi anemia. Last evaluated: 2022-05-07. Review status: criteria provided, single submitter. Criteria: Invitae Variant Classification Sherloc (09022015). Collection method: clinical testing. Allele origin: germline.
Comment: This sequence change replaces glutamic acid, which is acidic and polar, with aspartic acid, which is acidic and polar, at codon 942 of the FANCA protein (p.Glu942Asp). This variant is present in population databases (no rsID available, gnomAD 0.003%). This variant has not been reported in the literature in individuals affected with FANCA-related conditions. ClinVar contains an entry for this variant (Variation ID: 456103). Advanced modeling of protein sequence and biophysical properties (such as structural, functional, and spatial information, amino acid conservation, physicochemical variation, residue mobility, and thermodynamic stability) performed at Invitae indicates that this missense variant is not expected to disrupt FANCA protein function. In summary, the available evidence is currently insufficient to determine the role of this variant in disease. Therefore, it has been classified as a Variant of Uncertain Significance.

NM_000135.4(FANCA):c.2826A>C (p.Glu942Asp)

Gene: FANCA (FA complementation group A; minus strand). Cytogenetic location: 16q24.3.
Variant type: single nucleotide variant.
Coding change: c.2826A>C on transcript NM_000135.4 (MANE Select); coding-DNA position 2826, A replaced by C.
Protein change: p.Glu942Asp; replaces glutamic acid 942 with aspartic acid.
Molecular consequence: missense variant.
Genome position (GRCh38, 1-based): chr16:89,761,975, T>G on the plus strand (A>C on the coding strand, the complement: FANCA is on the minus strand). VCF-style: chr16-89761975-T-G. GRCh37 (hg19) VCF-style: chr16-89828383-T-G.
Other names: c.2826A>C (LRG_495t1); c.2826A>C, p.Glu942Asp (NM_001286167.3); short protein forms E942D.
Identifiers: ClinVar variation 456103 (VCV000456103.9), dbSNP rs1217883878, ClinGen allele CA397433364.